The following is an entry in ClinVar:

NM_032608.7(MYO18B):c.7608C>T (p.Asp2536=)

Gene: MYO18B (myosin XVIIIB; plus strand). Cytogenetic location: 22q12.1.
Variant type: single nucleotide variant.
Coding change: c.7608C>T on transcript NM_032608.7 (MANE Select); coding-DNA position 7608, C replaced by T.
Protein change: p.Asp2536=; no amino-acid change (aspartic acid 2536 retained).
Molecular consequence: synonymous variant.
Genome position (GRCh38, 1-based): chr22:26,027,582, C>T. VCF-style: chr22-26027582-C-T. GRCh37 (hg19) VCF-style: chr22-26423548-C-T.
Other names: c.7608C>T (NM_032608.6); c.7611C>T, p.Asp2537= (NM_001318245.2).
Identifiers: ClinVar variation 1533949 (VCV001533949.11), dbSNP rs371367584, ClinGen allele CA10161821.

ClinVar aggregate classification (germline): Likely benign. Review status: criteria provided, multiple submitters, no conflicts (2 of 4 stars). 3 submissions from 3 submitters: Likely benign (2). 1 of the submissions does not count toward it. Last evaluated 2025-07-30.

Conditions:
MYO18B-related disorder. Also called: MYO18B-related condition.

Allele frequency attached by ClinVar (database versions not stated): gnomAD exomes 0.00002 and 0.00004; ExAC 0.00003; gnomAD 0.00004 and 0.00005; TOPMed 0.00004; ESP Exome Variant Server 0.00008; 1000 Genomes Project 30x 0.00016; 1000 Genomes Project 0.00020.
gnomAD v4.1: 32 of 1,613,892 alleles (0.002%); highest among the groups gnomAD compares: African/African-American, 0.023%; no homozygotes.

Submissions (3):

Labcorp Genetics (formerly Invitae), Labcorp
Classification: Likely benign. Last evaluated: 2025-07-30. Review status: criteria provided, single submitter. Criteria: Invitae Variant Classification Sherloc (09022015). Collection method: clinical testing. Allele origin: germline.

Blueprint Genetics
Classification: Likely benign. Last evaluated: 2024-03-28. Review status: criteria provided, single submitter. Criteria: ACMG Guidelines, 2015. Collection method: clinical testing. Allele origin: germline.

PreventionGenetics, part of Exact Sciences
Classification: Likely benign for MYO18B-related condition. Last evaluated: 2023-02-20. Review status: no assertion criteria provided. Collection method: clinical testing. Allele origin: germline. Not counted in ClinVar's aggregate classification.
Comment: This variant is classified as likely benign based on ACMG/AMP sequence variant interpretation guidelines (Richards et al. 2015 PMID: 25741868, with internal and published modifications).